The following is an entry in ClinVar:

NM_005633.4(SOS1):c.2318C>T (p.Thr773Ile)

Gene: SOS1 (SOS Ras/Rac guanine nucleotide exchange factor 1; minus strand). Cytogenetic location: 2p22.1.
Variant type: single nucleotide variant.
Coding change: c.2318C>T on transcript NM_005633.4 (MANE Select); coding-DNA position 2318, C replaced by T.
Protein change: p.Thr773Ile; replaces threonine 773 with isoleucine.
Molecular consequence: missense variant.
Genome position (GRCh38, 1-based): chr2:39,012,198, G>A on the plus strand (C>T on the coding strand, the complement: SOS1 is on the minus strand). VCF-style: chr2-39012198-G-A. GRCh37 (hg19) VCF-style: chr2-39239339-G-A.
Other names: c.2297C>T, p.Thr766Ile (NM_001382394.1); c.2318C>T, p.Thr773Ile (NM_001382395.1); short protein forms T766I, T773I.
Identifiers: ClinVar variation 3653097 (VCV003653097.2).

ClinVar aggregate classification (germline): Uncertain significance (1 of 4 stars; one submission).

Conditions:
RASopathy. Also called: rasopathies; Noonan spectrum disorder. Identifiers: Orphanet 536391, MedGen C5555857, MONDO:0021060.

Submission:

Labcorp Genetics (formerly Invitae), Labcorp
Classification: Uncertain significance for RASopathy. Last evaluated: 2024-05-12. Review status: criteria provided, single submitter. Criteria: Invitae Variant Classification Sherloc (09022015). Collection method: clinical testing. Allele origin: germline.
Comment: This sequence change replaces threonine, which is neutral and polar, with isoleucine, which is neutral and non-polar, at codon 773 of the SOS1 protein (p.Thr773Ile). This variant is not present in population databases (gnomAD no frequency). This variant has not been reported in the literature in individuals affected with SOS1-related conditions. Advanced modeling of protein sequence and biophysical properties (such as structural, functional, and spatial information, amino acid conservation, physicochemical variation, residue mobility, and thermodynamic stability) has been performed at Invitae for this missense variant, however the output from this modeling did not meet the statistical confidence thresholds required to predict the impact of this variant on SOS1 protein function. In summary, the available evidence is currently insufficient to determine the role of this variant in disease. Therefore, it has been classified as a Variant of Uncertain Significance.